The following is an entry in ClinVar:

NM_001386298.1(CIC):c.7445C>T (p.Pro2482Leu)

Gene: CIC (capicua transcriptional repressor; plus strand). Cytogenetic location: 19q13.2.
Variant type: single nucleotide variant.
Coding change: c.7445C>T on transcript NM_001386298.1 (MANE Select); coding-DNA position 7445, C replaced by T.
Protein change: p.Pro2482Leu; replaces proline 2482 with leucine.
Molecular consequence: missense variant.
Genome position (GRCh38, 1-based): chr19:42,295,082, C>T. VCF-style: chr19-42295082-C-T. GRCh37 (hg19) VCF-style: chr19-42799234-C-T.
Other names: c.7445C>T, p.Pro2482Leu (NM_001304815.2); c.7442C>T, p.Pro2481Leu (NM_001379480.1, NM_001379482.1); c.4712C>T, p.Pro1571Leu (NM_001379484.1); c.4709C>T, p.Pro1570Leu (NM_001379485.1); c.4718C>T, p.Pro1573Leu (NM_015125.5); short protein forms P1573L, P2481L, P2482L, P1570L, P1571L.
Identifiers: ClinVar variation 3833406 (VCV003833406.2).
Genomic context (GRCh38, chr19:42,295,082, plus strand): 5'-CCGCAGGGGGCCCTGACCCCACCTCACCCAGCTCGGACTCTGGCACGGCCCAGGCTGCCC[C>T]GCCACTGCCTCCACCCCCAGAGTCGGGGCCTGGACAGCCTGGCTGGGAGGGGGCTCCCCA-3'
Protein context (NP_001373227.1, residues 2472-2492): SSDSGTAQAA[Pro2482Leu]PLPPPPESGP

ClinVar aggregate classification (germline): Likely benign. Review status: criteria provided, multiple submitters, no conflicts (2 of 4 stars). 2 submissions from 2 submitters: Likely benign (2). Last evaluated 2025-01-27.

Conditions:
CIC-related disorder. Also called: CIC-related condition.
Inborn genetic diseases. Identifiers: MedGen C0950123, MeSH D030342.

gnomAD v4.1: 42 of 1,528,594 alleles (0.0027%); highest among the groups gnomAD compares: Admixed American, 0.0099%; no homozygotes.

Submissions (2):

Ambry Genetics
Classification: Likely benign for Inborn genetic diseases. Last evaluated: 2025-01-27. Review status: criteria provided, single submitter. Criteria: Ambry Variant Classification Scheme 2023. Collection method: clinical testing. Allele origin: germline.

PreventionGenetics, part of Exact Sciences
Classification: Likely benign for CIC-related condition. Last evaluated: 2024-10-08. Review status: criteria provided, single submitter. Criteria: ACMG Guidelines, 2015. Collection method: clinical testing. Allele origin: germline.
Comment: This variant is classified as likely benign based on ACMG/AMP sequence variant interpretation guidelines (Richards et al. 2015 PMID: 25741868, with internal and published modifications).